The following is an entry in ClinVar:

ClinVar aggregate classification (germline): Uncertain significance (1 of 4 stars; one submission).

Conditions:
Giant axonal neuropathy 1 (GAN1). Also called: GIANT AXONAL NEUROPATHY 1, AUTOSOMAL RECESSIVE; GAN-Related Neurodegeneration. Identifiers: Orphanet 643, MedGen C1850386, MONDO:0009749, OMIM 256850.

Allele frequency attached by ClinVar (database versions not stated): TOPMed below 0.00001.
gnomAD v4.1: 3 of 1,536,876 alleles (0.0002%); highest among the groups gnomAD compares: Non-Finnish European, 0.00017%; no homozygotes.

Submission:

Labcorp Genetics (formerly Invitae), Labcorp
Classification: Uncertain significance for Giant axonal neuropathy 1. Last evaluated: 2022-07-12. Review status: criteria provided, single submitter. Criteria: Invitae Variant Classification Sherloc (09022015). Collection method: clinical testing. Allele origin: germline.
Comment: In summary, the available evidence is currently insufficient to determine the role of this variant in disease. Therefore, it has been classified as a Variant of Uncertain Significance. Algorithms developed to predict the effect of missense changes on protein structure and function (SIFT, PolyPhen-2, Align-GVGD) all suggest that this variant is likely to be tolerated. ClinVar contains an entry for this variant (Variation ID: 645135). This variant has not been reported in the literature in individuals affected with GAN-related conditions. This variant is not present in population databases (gnomAD no frequency). This sequence change replaces proline, which is neutral and non-polar, with arginine, which is basic and polar, at codon 10 of the GAN protein (p.Pro10Arg).

NM_022041.4(GAN):c.29C>G (p.Pro10Arg)

Genes: GAN (gigaxonin; plus strand), LOC130059498 (ATAC-STARR-seq lymphoblastoid silent region 7753; plus strand). Cytogenetic location: 16q23.2.
Variant type: single nucleotide variant.
Coding change: c.29C>G on transcript NM_022041.4 (MANE Select); coding-DNA position 29, C replaced by G.
Protein change: p.Pro10Arg; replaces proline 10 with arginine.
Molecular consequence: missense variant. On other transcripts: 5 prime UTR variant (1).
Genome position (GRCh38, 1-based): chr16:81,315,142, C>G. VCF-style: chr16-81315142-C-G. GRCh37 (hg19) VCF-style: chr16-81348747-C-G.
Other names: c.-496C>G (NM_001377486.1); short protein forms P10R.
Identifiers: ClinVar variation 645135 (VCV000645135.9), dbSNP rs1597385631, ClinGen allele CA396854383.